The following is an entry in ClinVar:

NM_015338.6(ASXL1):c.3688G>T (p.Asp1230Tyr)

Gene: ASXL1 (ASXL transcriptional regulator 1; plus strand). Cytogenetic location: 20q11.21.
Variant type: single nucleotide variant.
Coding change: c.3688G>T on transcript NM_015338.6 (MANE Select); coding-DNA position 3688, G replaced by T.
Protein change: p.Asp1230Tyr; replaces aspartic acid 1230 with tyrosine.
Molecular consequence: missense variant.
Genome position (GRCh38, 1-based): chr20:32,436,400, G>T. VCF-style: chr20-32436400-G-T. GRCh37 (hg19) VCF-style: chr20-31024203-G-T.
Other names: c.3505G>T, p.Asp1169Tyr (NM_001363734.1); short protein forms D1169Y, D1230Y.
Identifiers: ClinVar variation 2900877 (VCV002900877.3), dbSNP rs150977407, ClinGen allele CA9808879.
Genomic context (GRCh38, chr20:32,436,400, plus strand): 5'-TTTGACTCCCTCCATCCAGTGACAAATCCCATTACATCCTCTAGGAAACTGGAAGAAATG[G>T]ATTCCAAAGAGCAGTTCTCTTCCTTTAGTTGTGAAGATCAGAAGGAAGTCCGTGCTATGT-3'
Protein context (NP_056153.2, residues 1220-1240): ITSSRKLEEM[Asp1230Tyr]SKEQFSSFSC

ClinVar aggregate classification (germline): Uncertain significance (1 of 4 stars; one submission).

Allele frequency attached by ClinVar (database versions not stated): ESP Exome Variant Server 0.00015; TOPMed 0.00008; gnomAD 0.00011.
gnomAD v4.1: 46 of 1,613,668 alleles (0.0029%); highest among the groups gnomAD compares: African/African-American, 0.025%; no homozygotes.

Submission:

Labcorp Genetics (formerly Invitae), Labcorp
Classification: Uncertain significance. Last evaluated: 2026-01-08. Review status: criteria provided, single submitter. Criteria: Invitae Variant Classification Sherloc (09022015). Collection method: clinical testing. Allele origin: germline.
Comment: This sequence change replaces aspartic acid, which is acidic and polar, with tyrosine, which is neutral and polar, at codon 1230 of the ASXL1 protein (p.Asp1230Tyr). This variant is present in population databases (rs150977407, gnomAD 0.03%). This variant has not been reported in the literature in individuals affected with ASXL1-related conditions. ClinVar contains an entry for this variant (Variation ID: 2900877). An algorithm developed to predict the effect of missense changes on protein structure and function (PolyPhen-2) suggests that this variant is likely to be disruptive. In summary, the available evidence is currently insufficient to determine the role of this variant in disease. Therefore, it has been classified as a Variant of Uncertain Significance.